The following is an entry in ClinVar:

NM_018297.4(NGLY1):c.544G>A (p.Val182Met)

Gene: NGLY1 (N-glycanase 1; minus strand). Cytogenetic location: 3p24.2.
Variant type: single nucleotide variant.
Coding change: c.544G>A on transcript NM_018297.4 (MANE Select); coding-DNA position 544, G replaced by A.
Protein change: p.Val182Met; replaces valine 182 with methionine.
Molecular consequence: missense variant.
Genome position (GRCh38, 1-based): chr3:25,751,212, C>T on the plus strand (G>A on the coding strand, the complement: NGLY1 is on the minus strand). VCF-style: chr3-25751212-C-T. GRCh37 (hg19) VCF-style: chr3-25792703-C-T.
Other names: c.544G>A, p.Val182Met (NM_001145293.2, NM_001145295.2); c.418G>A, p.Val140Met (NM_001145294.2); short protein forms V140M, V182M.
Identifiers: ClinVar variation 1053890 (VCV001053890.4), dbSNP rs981738620, ClinGen allele CA71662524.

ClinVar aggregate classification (germline): Uncertain significance (1 of 4 stars; one submission).

Conditions:
Congenital disorder of deglycosylation (CDDG). Identifiers: MedGen C3808991, MONDO:0031376.

Allele frequency attached by ClinVar (database versions not stated): gnomAD 0.00001.
gnomAD v4.1: 3 of 1,611,946 alleles (0.00019%); highest among the groups gnomAD compares: African/African-American, 0.0027%; no homozygotes.

Submission:

Labcorp Genetics (formerly Invitae), Labcorp
Classification: Uncertain significance for Congenital disorder of deglycosylation. Last evaluated: 2024-02-24. Review status: criteria provided, single submitter. Criteria: Invitae Variant Classification Sherloc (09022015). Collection method: clinical testing. Allele origin: germline.
Comment: This sequence change replaces valine, which is neutral and non-polar, with methionine, which is neutral and non-polar, at codon 182 of the NGLY1 protein (p.Val182Met). This variant is present in population databases (no rsID available, gnomAD 0.01%). This variant has not been reported in the literature in individuals affected with NGLY1-related conditions. ClinVar contains an entry for this variant (Variation ID: 1053890). Advanced modeling of protein sequence and biophysical properties (such as structural, functional, and spatial information, amino acid conservation, physicochemical variation, residue mobility, and thermodynamic stability) performed at Invitae indicates that this missense variant is not expected to disrupt NGLY1 protein function with a negative predictive value of 80%. In summary, the available evidence is currently insufficient to determine the role of this variant in disease. Therefore, it has been classified as a Variant of Uncertain Significance.